The following is an entry in ClinVar:

NM_000179.3(MSH6):c.3849_3851delinsAA (p.Thr1284fs)

Gene: MSH6 (mutS homolog 6; plus strand). Cytogenetic location: 2p16.3.
Variant type: Indel.
Coding change: c.3849_3851delinsAA on transcript NM_000179.3 (MANE Select); coding-DNA positions 3849 to 3851, TAC replaced by AA.
Protein change: p.Thr1284fs; shifts the reading frame from threonine 1284.
Molecular consequence: frameshift variant. On other transcripts: nonsense (1).
Genome position (GRCh38, 1-based): chr2:47,806,499-47,806,501, TAC replaced by AA. VCF-style: chr2-47806499-TAC-AA. GRCh37 (hg19) VCF-style: chr2-48033638-TAC-AA.
Other names: c.3552_3554delTACinsAA, p.Thr1185Serfs (NM_001406824.1, NM_001406825.1, NM_001406827.1 and 10 more transcripts); c.3681_3683delTACinsAA, p.Thr1228Serfs (NM_001406826.1); c.2943_2945delTACinsAA, p.Thr982Serfs (NM_001406829.1, NM_001406811.1, NM_001406812.1 and 4 more transcripts); c.630_632delTACinsAA, p.Thr211Serfs (NM_001406831.1); c.696_698delTACinsAA, p.Thr233Serfs (NM_001406832.1); c.1794_1796delTACinsAA, p.Thr599Serfs (NM_001407362.1); c.3459_3461delinsAA, p.Thr1154fs (NM_001281492.2); c.2943_2945delinsAA, p.Thr982fs (NM_001281493.2, NM_001281494.2); and 9 more; short protein forms T1154fs, T982fs, T1284fs.
Identifiers: ClinVar variation 1735482 (VCV001735482.2), dbSNP rs2530860472, ClinGen allele CA2580067401.

ClinVar aggregate classification (germline): Pathogenic (1 of 4 stars; one submission).

Conditions:
Hereditary cancer-predisposing syndrome. Also called: Neoplastic Syndromes, Hereditary; Tumor predisposition; Hereditary Cancer Syndrome; Hereditary neoplastic syndrome. Identifiers: Orphanet 140162, MedGen C0027672, MeSH D009386, MONDO:0015356.

Submission:

Ambry Genetics
Classification: Pathogenic for Hereditary cancer-predisposing syndrome. Last evaluated: 2022-05-26. Review status: criteria provided, single submitter. Criteria: Ambry Variant Classification Scheme 2023. Collection method: clinical testing. Allele origin: germline.
Comment: The c.3849_3851delTACinsAA pathogenic mutation, located in coding exon 9 of the MSH6 gene, results from the deletion of 3 nucleotides and insertion of two nucleotides causing a translational frameshift with a predicted alternate stop codon (p.T1284Sfs*43). This alteration occurs at the 3' terminus of theMSH6 gene, is not expected to trigger nonsense-mediated mRNA decay, and impacts the last 77 amino acids of the protein. However, premature stop codons are typically deleterious in nature and the impacted region is critical for protein function (Ambry internal data). This variant has been identified as somatic in conjunction with a somatic pathogenic MSH6 variant in a tumor that demonstrated high microsatellite instability with loss of MSH6 expression by immunohistochemistry (Ambry internal data). Other truncating alterations downstream have been observed in individuals with with Lynch syndrome-associated cancers (Ambry internal data). This variant is considered to be rare based on population cohorts in the Genome Aggregation Database (gnomAD). Based on the supporting evidence, this alteration is interpreted as a disease-causing mutation.